The following is an entry in ClinVar:

ClinVar aggregate classification (germline): Uncertain significance (1 of 4 stars; one submission).

Conditions:
Familial adenomatous polyposis 1 (FAP1). Also called: FAMILIAL ADENOMATOUS POLYPOSIS 1, ATTENUATED; POLYPOSIS, ADENOMATOUS INTESTINAL. Identifiers: MedGen C2713442, MONDO:0021056, OMIM 175100. Disease mechanism: loss of function.

Submission:

Labcorp Genetics (formerly Invitae), Labcorp
Classification: Uncertain significance for Familial adenomatous polyposis 1. Last evaluated: 2023-12-10. Review status: criteria provided, single submitter. Criteria: Invitae Variant Classification Sherloc (09022015). Collection method: clinical testing. Allele origin: germline.
Comment: This sequence change replaces aspartic acid, which is acidic and polar, with glycine, which is neutral and non-polar, at codon 605 of the APC protein (p.Asp605Gly). This variant is not present in population databases (gnomAD no frequency). This variant has not been reported in the literature in individuals affected with APC-related conditions. Advanced modeling of protein sequence and biophysical properties (such as structural, functional, and spatial information, amino acid conservation, physicochemical variation, residue mobility, and thermodynamic stability) performed at Invitae indicates that this missense variant is not expected to disrupt APC protein function with a negative predictive value of 95%. In summary, the available evidence is currently insufficient to determine the role of this variant in disease. Therefore, it has been classified as a Variant of Uncertain Significance.

NM_000038.6(APC):c.1814A>G (p.Asp605Gly)

Gene: APC (APC regulator of Wnt signaling pathway; plus strand). Cytogenetic location: 5q22.2.
Variant type: single nucleotide variant.
Coding change: c.1814A>G on transcript NM_000038.6 (MANE Select); coding-DNA position 1814, A replaced by G.
Protein change: p.Asp605Gly; replaces aspartic acid 605 with glycine.
Molecular consequence: missense variant. On other transcripts: non-coding transcript variant (2).
Genome position (GRCh38, 1-based): chr5:112,835,021, A>G. VCF-style: chr5-112835021-A-G. GRCh37 (hg19) VCF-style: chr5-112170718-A-G.
Other names: c.1814A>G, p.Asp605Gly (NM_001127510.3, NM_001354895.2, NM_001407450.1); c.1760A>G, p.Asp587Gly (NM_001127511.3); c.1868A>G, p.Asp623Gly (NM_001354896.2, NM_001407447.1, NM_001407448.1 and 1 more transcripts); c.1844A>G, p.Asp615Gly (NM_001354897.2); c.1739A>G, p.Asp580Gly (NM_001354898.2); c.1730A>G, p.Asp577Gly (NM_001354899.2); c.1691A>G, p.Asp564Gly (NM_001354900.2); c.1637A>G, p.Asp546Gly (NM_001354901.2, NM_001407453.1); and 11 more; short protein forms D479G, D504G, D564G, D580G, D598G, D615G, D221G, D546G.
Identifiers: ClinVar variation 2844511 (VCV002844511.3), dbSNP rs1764706048, ClinGen allele CA16025291.